The following is an entry in ClinVar:

NM_000075.4(CDK4):c.833_834dup (p.Asn279fs)

Genes: CDK4 (cyclin dependent kinase 4; minus strand), TSPAN31 (tetraspanin 31; plus strand). Cytogenetic location: 12q14.1.
Variant type: Duplication.
Coding change: c.833_834dup on transcript NM_000075.4 (MANE Select); coding-DNA positions 833 to 834, 2 bases duplicated (TT; older notation c.833_834dupTT).
Protein change: p.Asn279fs; shifts the reading frame from asparagine 279.
Molecular consequence: frameshift variant. On other transcripts: 3 prime UTR variant (3).
Genome position (GRCh38, 1-based): chr12:57,748,603-57,748,604, AA duplicated on the plus strand (TT on the coding strand, the reverse complement: CDK4 is on the minus strand); duplicating any 2 consecutive bases within chr12:57,748,603-57,748,606 gives the same sequence; the c. name uses the placement nearest the transcript's 3' end. VCF-style (leftmost placement, unchanged base first): chr12-57748602-T-TAA. GRCh37 (hg19) VCF-style: chr12-58142385-T-TAA.
Other names: c.*1315_*1316dup (NM_001330168.2, NM_001330169.2, NM_005981.5); short protein forms N279fs.
Identifiers: ClinVar variation 834447 (VCV000834447.1), dbSNP rs1955188005, ClinGen allele CA916081679.

ClinVar aggregate classification (germline): Uncertain significance (1 of 4 stars; one submission).

Conditions:
Familial melanoma. Also called: Hereditary melanoma; Hereditary cutaneous melanoma. Identifiers: Orphanet 618, MedGen C1512419, MONDO:0018961.

Submission:

Labcorp Genetics (formerly Invitae), Labcorp
Classification: Uncertain significance for Hereditary cutaneous melanoma. Last evaluated: 2019-02-21. Review status: criteria provided, single submitter. Criteria: Invitae Variant Classification Sherloc (09022015). Collection method: clinical testing. Allele origin: germline.
Comment: This sequence change results in a frameshift in the CDK4 gene (p.Asn279Leufs*46). While this is not anticipated to result in nonsense mediated decay, it is expected to disrupt the last 25 amino acids of the CDK4 protein and extend the protein by an additional 20 amino acids. This variant is not present in population databases (ExAC no frequency). This variant has not been reported in the literature in individuals with CDK4-related conditions. Experimental studies and prediction algorithms are not available for this variant, and the functional significance of the affected amino acid(s) is currently unknown. In summary, the available evidence is currently insufficient to determine the role of this variant in disease. Therefore, it has been classified as a Variant of Uncertain Significance.